The following is an entry in ClinVar:

ClinVar aggregate classification (germline): Uncertain significance (1 of 4 stars; one submission).

Submission:

Labcorp Genetics (formerly Invitae), Labcorp
Classification: Uncertain significance. Last evaluated: 2022-10-28. Review status: criteria provided, single submitter. Criteria: Invitae Variant Classification Sherloc (09022015). Collection method: clinical testing. Allele origin: germline.
Comment: This variant has not been reported in the literature in individuals affected with PHIP-related conditions. Algorithms developed to predict the effect of sequence changes on RNA splicing suggest that this variant may disrupt the consensus splice site. This variant is not present in population databases (gnomAD no frequency). This sequence change affects codon 1551 of the PHIP mRNA. It is a 'silent' change, meaning that it does not change the encoded amino acid sequence of the PHIP protein. In summary, the available evidence is currently insufficient to determine the role of this variant in disease. Therefore, it has been classified as a Variant of Uncertain Significance.

NM_017934.7(PHIP):c.4653T>C (p.His1551=)

Genes: IRAK1BP1 (interleukin 1 receptor associated kinase 1 binding protein 1; plus strand), PHIP (PHIP subunit of CUL4-Ring ligase complex; minus strand). Cytogenetic location: 6q14.1.
Variant type: single nucleotide variant.
Coding change: c.4653T>C on transcript NM_017934.7 (MANE Select); coding-DNA position 4653, T replaced by C.
Protein change: p.His1551=; no amino-acid change (histidine 1551 retained).
Molecular consequence: synonymous variant.
Genome position (GRCh38, 1-based): chr6:78,945,475, A>G on the plus strand (T>C on the coding strand, the complement: PHIP is on the minus strand). VCF-style: chr6-78945475-A-G. GRCh37 (hg19) VCF-style: chr6-79655192-A-G.
Identifiers: ClinVar variation 2881269 (VCV002881269.3), dbSNP rs1773757850, ClinGen allele CA451009119.